The following is an entry in ClinVar:

ClinVar aggregate classification (germline): Likely benign (1 of 4 stars; one submission).

gnomAD v4.1: 26 of 1,613,514 alleles (0.0016%); highest among the groups gnomAD compares: East Asian, 0.054%; no homozygotes.

Submission:

Molecular Diagnostic Laboratory for Inherited Cardiovascular Disease, Montreal Heart Institute
Classification: Likely benign. Last evaluated: 2026-03-27. Review status: criteria provided, single submitter. Criteria: ACMG Guidelines, 2015. Collection method: clinical testing. Allele origin: germline. Affected: no.
Comment: BP1

NM_001267550.2(TTN):c.76292A>G (p.Tyr25431Cys)

Genes: TTN (titin; minus strand), TTN-AS1 (TTN antisense RNA 1; plus strand). Cytogenetic location: 2q31.2.
Variant type: single nucleotide variant.
Coding change: c.76292A>G on transcript NM_001267550.2 (MANE Select); coding-DNA position 76292, A replaced by G.
Protein change: p.Tyr25431Cys; replaces tyrosine 25431 with cysteine.
Molecular consequence: missense variant.
Genome position (GRCh38, 1-based): chr2:178,569,840, T>C on the plus strand (A>G on the coding strand, the complement: TTN is on the minus strand). VCF-style: chr2-178569840-T-C. GRCh37 (hg19) VCF-style: chr2-179434567-T-C.
Other names: c.71369A>G, p.Tyr23790Cys (NM_001256850.1); c.49097A>G, p.Tyr16366Cys (NM_003319.4); c.68588A>G, p.Tyr22863Cys (NM_133378.4); c.49472A>G, p.Tyr16491Cys (NM_133432.3); c.49673A>G, p.Tyr16558Cys (NM_133437.4); short protein forms Y16366C, Y16491C, Y16558C, Y22863C, Y23790C, Y25431C.
Identifiers: ClinVar variation 4820380 (VCV004820380.1), dbSNP rs79906856.
Genomic context (GRCh38, chr2:178,569,840, plus strand): 5'-TCACCAACACTCACATCACATTTTTCAACAATGTATCCTTGAATTTCACAGCCACCATCA[T>C]ATATTGGTTTGCTCCAAGAAAGGAATACTGAAGATCTGGTTATGTCTATGACTTTGGGGT-3'
Protein context (NP_001254479.2, residues 25421-25441): SVFLSWSKPI[Tyr25431Cys]DGGCEIQGYI